The following is an entry in ClinVar:

NM_000138.5(FBN1):c.5721C>T (p.Asn1907=)

Gene: FBN1 (fibrillin 1; minus strand). Cytogenetic location: 15q21.1.
Variant type: single nucleotide variant.
Coding change: c.5721C>T on transcript NM_000138.5 (MANE Select); coding-DNA position 5721, C replaced by T.
Protein change: p.Asn1907=; no amino-acid change (asparagine 1907 retained).
Molecular consequence: synonymous variant.
Genome position (GRCh38, 1-based): chr15:48,446,773, G>A on the plus strand (C>T on the coding strand, the complement: FBN1 is on the minus strand). VCF-style: chr15-48446773-G-A. GRCh37 (hg19) VCF-style: chr15-48738970-G-A.
Other names: c.5721C>T, p.Asn1907= (NM_001406716.1).
Identifiers: ClinVar variation 3072521 (VCV003072521.2), dbSNP rs397515826, ClinGen allele CA490022999.
Genomic context (GRCh38, chr15:48,446,773, plus strand): 5'-GTCATTGTTGTGAGAAAGGATGAAACCATGATTGCAGCGGCAGTTGAAGGAACCAATTGT[G>A]TTCCGGCAAGTTCCATTCCCACAGGCATCTCTTTCACATTCATTTATGTCTAGTAGGAAG-3'
Protein context (NP_000129.3, residues 1897-1917): RDACGNGTCR[Asn1907=]TIGSFNCRCN

ClinVar aggregate classification (germline): Likely benign. Review status: criteria provided, multiple submitters, no conflicts (2 of 4 stars). 2 submissions from 2 submitters: Likely benign (2). Last evaluated 2025-08-03.

Conditions:
Marfan syndrome (MFS). Also called: MARFAN SYNDROME, TYPE I; Marfan syndrome type 1; Marfan's syndrome; Marfan syndrome, classic; FBN1-Related Marfan Syndrome. Identifiers: Orphanet 284963, Orphanet 558, MedGen C0024796, MONDO:0007947, OMIM 154700.
Familial thoracic aortic aneurysm and aortic dissection (TAAD). Also called: Thoracic aortic aneurysms and dissections. Identifiers: Orphanet 91387, MedGen C4707243, MONDO:0019625.

Allele frequency attached by ClinVar (database versions not stated): TOPMed below 0.00001.

Submissions (2):

Ambry Genetics
Classification: Likely benign for Familial thoracic aortic aneurysm and aortic dissection. Last evaluated: 2025-08-03. Review status: criteria provided, single submitter. Criteria: Ambry Variant Classification Scheme 2023. Collection method: clinical testing. Allele origin: germline.

All of Us Research Program, National Institutes of Health
Classification: Likely benign for Marfan syndrome. Last evaluated: 2023-07-22. Review status: criteria provided, single submitter. Criteria: ACMG Guidelines, 2015. Collection method: clinical testing. Allele origin: germline. Inheritance: Autosomal dominant inheritance. Observed: 1 variant allele, 1 heterozygote.
Comment: This study involves interpretation of variants in research participants for the purpose of population health screening. Participant phenotype was not available at the time of variant classification. Additional details can be found in publication PMID: 35346344, PMCID: PMC8962531